The following is an entry in ClinVar:

ClinVar aggregate classification (germline): Uncertain significance (1 of 4 stars; one submission).

Conditions:
Hereditary cancer-predisposing syndrome. Also called: Neoplastic Syndromes, Hereditary; Tumor predisposition; Hereditary Cancer Syndrome; Hereditary neoplastic syndrome. Identifiers: Orphanet 140162, MedGen C0027672, MeSH D009386, MONDO:0015356.

Submission:

Ambry Genetics
Classification: Uncertain significance for Hereditary cancer-predisposing syndrome. Last evaluated: 2025-12-09. Review status: criteria provided, single submitter. Criteria: Ambry Variant Classification Scheme 2023. Collection method: clinical testing. Allele origin: germline.
Comment: The p.Y523S variant (also known as c.1568A>C), located in coding exon 11 of the CDH1 gene, results from an A to C substitution at nucleotide position 1568. The tyrosine at codon 523 is replaced by serine, an amino acid with dissimilar properties. This amino acid position is conserved. In addition, this alteration is predicted to be deleterious by in silico analysis. Based on the available evidence, the clinical significance of this variant remains unclear.

NM_004360.5(CDH1):c.1568A>C (p.Tyr523Ser)

Gene: CDH1 (cadherin 1; plus strand). Cytogenetic location: 16q22.1.
Variant type: single nucleotide variant.
Coding change: c.1568A>C on transcript NM_004360.5 (MANE Select); coding-DNA position 1568, A replaced by C.
Protein change: p.Tyr523Ser; replaces tyrosine 523 with serine.
Molecular consequence: missense variant. On other transcripts: intron variant (1).
Genome position (GRCh38, 1-based): chr16:68,819,282, A>C. VCF-style: chr16-68819282-A-C. GRCh37 (hg19) VCF-style: chr16-68853185-A-C.
Other names: c.1385A>C, p.Tyr462Ser (NM_001317184.2); c.20A>C, p.Tyr7Ser (NM_001317185.2); c.-254-2719A>C (NM_001317186.2); short protein forms Y462S, Y523S, Y7S.
Identifiers: ClinVar variation 4632861 (VCV004632861.1).